The following is an entry in ClinVar:

NM_024422.6(DSC2):c.441C>T (p.Asn147=)

Gene: DSC2 (desmocollin 2; minus strand). Cytogenetic location: 18q12.1.
Variant type: single nucleotide variant.
Coding change: c.441C>T on transcript NM_024422.6 (MANE Select); coding-DNA position 441, C replaced by T.
Protein change: p.Asn147=; no amino-acid change (asparagine 147 retained).
Molecular consequence: synonymous variant.
Genome position (GRCh38, 1-based): chr18:31,091,061, G>A on the plus strand (C>T on the coding strand, the complement: DSC2 is on the minus strand). VCF-style: chr18-31091061-G-A. GRCh37 (hg19) VCF-style: chr18-28671024-G-A.
Other names: c.441C>T, p.Asn147= (NM_004949.5).
Identifiers: ClinVar variation 1139258 (VCV001139258.10), dbSNP rs2144843142, ClinGen allele CA503390882.

ClinVar aggregate classification (germline): Likely benign. Review status: criteria provided, multiple submitters, no conflicts (2 of 4 stars). 2 submissions from 2 submitters: Likely benign (2). Last evaluated 2024-08-13.

Conditions:
Arrhythmogenic right ventricular dysplasia 11. Also called: Arrhythmogenic Right Ventricular Dysplasia/Cardiomyopathy11; ARRHYTHMOGENIC RIGHT VENTRICULAR DYSPLASIA, FAMILIAL, 11; Arrhythmogenic right ventricular dysplasia 11 with mild palmoplantar keratoderma and woolly hair. Identifiers: MedGen C1864850, MONDO:0012506, OMIM 610476.
Familial isolated arrhythmogenic right ventricular dysplasia. Identifiers: Orphanet 217656, MedGen C4274968, MONDO:0016342.

gnomAD v4.1: 3 of 1,614,040 alleles (0.00019%); highest among the groups gnomAD compares: Non-Finnish European, 0.00025%; no homozygotes.

Submissions (2):

All of Us Research Program, National Institutes of Health
Classification: Likely benign for Familial isolated arrhythmogenic right ventricular dysplasia. Last evaluated: 2024-08-13. Review status: criteria provided, single submitter. Criteria: ACMG Guidelines, 2015. Collection method: clinical testing. Allele origin: germline. Inheritance: Autosomal dominant inheritance. Observed: 1 variant allele, 1 heterozygote.
Comment: This study involves interpretation of variants in research participants for the purpose of population health screening. Participant phenotype was not available at the time of variant classification. Additional details can be found in publication PMID: 35346344, PMCID: PMC8962531

Labcorp Genetics (formerly Invitae), Labcorp
Classification: Likely benign for Arrhythmogenic right ventricular dysplasia 11. Last evaluated: 2024-04-01. Review status: criteria provided, single submitter. Criteria: Invitae Variant Classification Sherloc (09022015). Collection method: clinical testing. Allele origin: germline.